The following is an entry in ClinVar:

ClinVar aggregate classification (germline): Benign (0 of 4 stars; one submission).

Conditions:
XIRP2-related disorder. Also called: XIRP2-related condition.

Allele frequency attached by ClinVar (database versions not stated): gnomAD exomes 0.01753; ESP Exome Variant Server 0.02061; TOPMed 0.02376; gnomAD 0.02394; ExAC 0.02416; 1000 Genomes Project 0.03135; 1000 Genomes Project 30x 0.03139.
gnomAD v4.1: 28,689 of 1,573,274 alleles (1.8%); highest among the groups gnomAD compares: South Asian, 6.5%; 489 homozygotes.

Submission:

PreventionGenetics, part of Exact Sciences
Classification: Benign for XIRP2-related condition. Last evaluated: 2019-03-01. Review status: no assertion criteria provided. Collection method: clinical testing. Allele origin: germline.
Comment: This variant is classified as benign based on ACMG/AMP sequence variant interpretation guidelines (Richards et al. 2015 PMID: 25741868, with internal and published modifications).

NM_152381.6(XIRP2):c.10556-8A>G

Gene: XIRP2 (xin actin binding repeat containing 2; plus strand). Cytogenetic location: 2q24.3.
Variant type: single nucleotide variant.
Coding change: c.10556-8A>G on transcript NM_152381.6 (MANE Select); 8 bases into the intron before coding-DNA position 10556, A replaced by G.
Molecular consequence: intron variant.
Genome position (GRCh38, 1-based): chr2:167,254,024, A>G. VCF-style: chr2-167254024-A-G. GRCh37 (hg19) VCF-style: chr2-168110534-A-G.
Other names: c.1276-8A>G (NM_001199143.2); c.1177-8A>G (NM_001079810.4); c.9890-8A>G (NM_001199144.2); c.511-8A>G (NM_001199145.2).
Identifiers: ClinVar variation 3041864 (VCV003041864.2), dbSNP rs114227676, ClinGen allele CA1948266.